The following is an entry in ClinVar:

NM_003184.4(TAF2):c.2458G>A (p.Asp820Asn)

Gene: TAF2 (TATA-box binding protein associated factor 2; minus strand). Cytogenetic location: 8q24.12.
Variant type: single nucleotide variant.
Coding change: c.2458G>A on transcript NM_003184.4 (MANE Select); coding-DNA position 2458, G replaced by A.
Protein change: p.Asp820Asn; replaces aspartic acid 820 with asparagine.
Molecular consequence: missense variant.
Genome position (GRCh38, 1-based): chr8:119,762,515, C>T on the plus strand (G>A on the coding strand, the complement: TAF2 is on the minus strand). VCF-style: chr8-119762515-C-T. GRCh37 (hg19) VCF-style: chr8-120774755-C-T.
Other names: short protein forms D820N.
Identifiers: ClinVar variation 1411146 (VCV001411146.7), dbSNP rs117420905, ClinGen allele CA4857068.

ClinVar aggregate classification (germline): Uncertain significance. Review status: criteria provided, multiple submitters, no conflicts (2 of 4 stars). 3 submissions from 3 submitters: Uncertain significance (3). Last evaluated 2024-04-17.

Conditions:
Inborn genetic diseases. Identifiers: MedGen C0950123, MeSH D030342.
Microcephaly-thin corpus callosum-intellectual disability syndrome (NEDFCF). Also called: NEURODEVELOPMENTAL DISORDER WITH FEEDING DIFFICULTIES, THIN CORPUS CALLOSUM, AND FOOT DEFORMITY; Intellectual developmental disorder, autosomal recessive 40. Identifiers: Orphanet 397951, MedGen C3810080, MONDO:0014273, OMIM 615599.

Allele frequency attached by ClinVar (database versions not stated): ExAC 0.00019; gnomAD exomes 0.00021 and 0.00055; ESP Exome Variant Server 0.00023; 1000 Genomes Project 30x 0.00031; 1000 Genomes Project 0.00020; TOPMed 0.00022; gnomAD 0.00026 and 0.00029.
gnomAD v4.1: 829 of 1,613,880 alleles (0.051%); highest among the groups gnomAD compares: South Asian, 0.067%; 3 homozygotes.

Submissions (3):

Ambry Genetics
Classification: Uncertain significance for Inborn genetic diseases. Last evaluated: 2024-04-17. Review status: criteria provided, single submitter. Criteria: Ambry Variant Classification Scheme 2023. Collection method: clinical testing. Allele origin: germline.

Labcorp Genetics (formerly Invitae), Labcorp
Classification: Uncertain significance. Last evaluated: 2023-04-23. Review status: criteria provided, single submitter. Criteria: Invitae Variant Classification Sherloc (09022015). Collection method: clinical testing. Allele origin: germline.
Comment: ClinVar contains an entry for this variant (Variation ID: 1411146). In summary, the available evidence is currently insufficient to determine the role of this variant in disease. Therefore, it has been classified as a Variant of Uncertain Significance. Advanced modeling of protein sequence and biophysical properties (such as structural, functional, and spatial information, amino acid conservation, physicochemical variation, residue mobility, and thermodynamic stability) performed at Invitae indicates that this missense variant is not expected to disrupt TAF2 protein function. This variant has not been reported in the literature in individuals affected with TAF2-related conditions. This variant is present in population databases (rs117420905, gnomAD 0.04%). This sequence change replaces aspartic acid, which is acidic and polar, with asparagine, which is neutral and polar, at codon 820 of the TAF2 protein (p.Asp820Asn).

Victorian Clinical Genetics Services, Murdoch Childrens Research Institute
Classification: Uncertain significance for Microcephaly-thin corpus callosum-intellectual disability syndrome. Last evaluated: 2020-10-19. Review status: criteria provided, single submitter. Criteria: ACMG Guidelines, 2015. Collection method: clinical testing. Allele origin: germline. Inheritance: Autosomal recessive inheritance.
Comment: Based on the classification scheme VCGS_Germline_v1.3.3, this variant is classified as VUS-3C. Following criteria are met: 0105 - The mechanism of disease for this gene is not clearly established. (I) 0106 - This gene is associated with autosomal recessive disease. (I) 0200 - Variant is predicted to result in a missense amino acid change from aspartic acid to asparagine. (I) 0251 - This variant is heterozygous. (I) 0304 - Variant is present in gnomAD (v2) <0.01 for a recessive condition (60 heterozygotes, 0 homozygotes). (SP) 0309 - An alternative amino acid change at the same position has been observed in gnomAD (v3) (1 heterozygote, 0 homozygotes). (I) 0503 - Missense variant consistently predicted to be tolerated by multiple in silico tools or not conserved in placental mammals with a minor amino acid change. (SB) 0604 - Variant is not located in an established domain, motif, hotspot or informative constraint region. (I) 0705 - No comparable missense variants have previous evidence for pathogenicity. (I) 0807 - This variant has no previous evidence of pathogenicity. (I) 0905 - No published segregation evidence has been identified for this variant. (I) 1007 - No published functional evidence has been identified for this variant. (I) 1208 - Inheritance information for this variant is not currently available in this individual. (I) Legend: (SP) - Supporting pathogenic, (I) - Information, (SB) - Supporting benign